The following is an entry in ClinVar:

NM_032242.4(PLXNA1):c.1115G>A (p.Arg372His)

Gene: PLXNA1 (plexin A1; plus strand). Cytogenetic location: 3q21.3.
Variant type: single nucleotide variant.
Coding change: c.1115G>A on transcript NM_032242.4 (MANE Select); coding-DNA position 1115, G replaced by A.
Protein change: p.Arg372His; replaces arginine 372 with histidine.
Molecular consequence: missense variant.
Genome position (GRCh38, 1-based): chr3:126,989,708, G>A. VCF-style: chr3-126989708-G-A. GRCh37 (hg19) VCF-style: chr3-126708551-G-A.
Other names: short protein forms R372H.
Identifiers: ClinVar variation 977363 (VCV000977363.10), dbSNP rs1336240753, ClinGen allele CA354373759.
Genomic context (GRCh38, chr3:126,989,708, plus strand): 5'-CAAAGGAGTCAGCACTGTGCCTGTTCACGCTCAGGGCCATCAAGGAGAAGATTAAGGAGC[G>A]CATCCAGTCCTGCTACCGTGGTGAGGGCAAGCTCTCCCTGCCGTGGCTGCTCAACAAGGA-3'
Protein context (NP_115618.3, residues 362-382): LRAIKEKIKE[Arg372His]IQSCYRGEGK

ClinVar aggregate classification (germline): Uncertain significance. Review status: criteria provided, multiple submitters, no conflicts (2 of 4 stars). 5 submissions from 5 submitters: Uncertain significance (5). Last evaluated 2026-04-06.

Conditions:
PLXNA1-related neurodevelopmental disorder.
Dworschak-Punetha neurodevelopmental syndrome (DWOPNED). Identifiers: MedGen C5677017, MONDO:0859260, OMIM 619955.
PLXNA1-related disorder. Also called: PLXNA1-related condition.

Allele frequency attached by ClinVar (database versions not stated): gnomAD exomes below 0.00001; gnomAD 0.00003 and 0.00004; TOPMed 0.00011.
gnomAD v4.1: 18 of 1,612,968 alleles (0.0011%); highest among the groups gnomAD compares: Admixed American, 0.005%; no homozygotes.

Submissions (5):

PreventionGenetics, part of Exact Sciences
Classification: Uncertain significance for PLXNA1-related condition. Last evaluated: 2026-04-06. Review status: criteria provided, single submitter. Criteria: ACMG Guidelines, 2015. Collection method: clinical testing. Allele origin: germline.
Comment: The PLXNA1 c.1115G>A variant is predicted to result in the amino acid substitution p.Arg372His. To our knowledge, this variant has not been reported in the literature. This variant is reported in 0.00078% of alleles in individuals of European (Non-Finnish) descent in gnomAD. At this time, the clinical significance of this variant is uncertain due to the absence of conclusive functional and genetic evidence.

Ambry Genetics
Classification: Uncertain significance. Last evaluated: 2024-12-28. Review status: criteria provided, single submitter. Criteria: Ambry Variant Classification Scheme 2023. Collection method: clinical testing. Allele origin: germline.

Revvity Omics, Revvity
Classification: Uncertain significance for Dworschak-Punetha neurodevelopmental syndrome. Last evaluated: 2022-11-28. Review status: criteria provided, single submitter. Criteria: ACMG Guidelines, 2015. Collection method: clinical testing. Allele origin: germline.

Baylor Genetics
Classification: Uncertain significance for PLXNA1-related neurodevelopmental disorder. Last evaluated: 2022-06-14. Review status: criteria provided, single submitter. Criteria: ACMG Guidelines, 2015. Collection method: clinical testing. Allele origin: unknown.

New York Genome Center
Classification: Uncertain significance for Dworschak-Punetha neurodevelopmental syndrome. Last evaluated: 2020-01-10. Review status: criteria provided, single submitter. Criteria: NYGC Assertion Criteria 2020. Collection method: clinical testing. Allele origin: germline. Observed: 1 heterozygote. Study: CSER-NYCKidSeq.